The following is an entry in ClinVar:

NM_000094.4(COL7A1):c.5462G>A (p.Gly1821Asp)

Gene: COL7A1 (collagen type VII alpha 1 chain; minus strand). Cytogenetic location: 3p21.31.
Variant type: single nucleotide variant.
Coding change: c.5462G>A on transcript NM_000094.4 (MANE Select); coding-DNA position 5462, G replaced by A.
Protein change: p.Gly1821Asp; replaces glycine 1821 with aspartic acid.
Molecular consequence: missense variant.
Genome position (GRCh38, 1-based): chr3:48,578,478, C>T on the plus strand (G>A on the coding strand, the complement: COL7A1 is on the minus strand). VCF-style: chr3-48578478-C-T. GRCh37 (hg19) VCF-style: chr3-48615911-C-T.
Other names: short protein forms G1821D.
Identifiers: ClinVar variation 1189143 (VCV001189143.2), dbSNP rs2107692123, ClinGen allele CA352672657.

ClinVar aggregate classification (germline): Pathogenic (1 of 4 stars; one submission).

Allele frequency attached by ClinVar (database versions not stated): gnomAD exomes below 0.00001.

Submission:

GeneDx
Classification: Pathogenic. Last evaluated: 2021-07-01. Review status: criteria provided, single submitter. Criteria: GeneDx Variant Classification Process June 2021. Collection method: clinical testing. Allele origin: germline. Affected: yes.
Comment: Occurs in the triple helical domain and replaces a Glycine in the canonical Gly-X-Y repeat; substitutions of the Glycine position within the canonical Gly-X-Y repeat in the collagenous domain of the protein destabilize the COLVII triple helix yielding fragile and unstable anchoring fibrils that are unable to adequately anchor the basement membrane of the epidermis to the dermis resulting in skin fragility (Pfendner and Lucky, 2018); Not observed in large population cohorts (Lek et al., 2016); In silico analysis, which includes protein predictors and evolutionary conservation, supports a deleterious effect; This variant is associated with the following publications: (PMID: 27899325, 27535533)